The following is an entry in ClinVar:

ClinVar aggregate classification (germline): Uncertain significance (1 of 4 stars; one submission).

Conditions:
Inborn genetic diseases. Identifiers: MedGen C0950123, MeSH D030342.

gnomAD v4.1: 1 of 1,612,476 alleles (0.000062%); highest among the groups gnomAD compares: Non-Finnish European, 0.000085%; no homozygotes.

Submission:

Ambry Genetics
Classification: Uncertain significance for Inborn genetic diseases. Last evaluated: 2026-04-16. Review status: criteria provided, single submitter. Criteria: Ambry Variant Classification Scheme 2023. Collection method: clinical testing. Allele origin: germline.
Comment: The p.G181R variant (also known as c.541G>C), located in coding exon 1 of the WT1 gene, results from a G to C substitution at nucleotide position 541. The glycine at codon 181 is replaced by arginine, an amino acid with dissimilar properties. This amino acid position is highly conserved in available vertebrate species. In addition, this alteration is predicted to be deleterious by in silico analysis. Based on the available evidence, the clinical significance of this variant remains unclear.

NM_024426.6(WT1):c.556G>C (p.Gly186Arg)

Genes: WT1 (WT1 transcription factor; minus strand), LOC107982234 (WT1/WT1-AS bi-directional promoter region; plus strand). Cytogenetic location: 11p13.
Variant type: single nucleotide variant.
Coding change: c.556G>C on transcript NM_024426.6 (MANE Select); coding-DNA position 556, G replaced by C.
Protein change: p.Gly186Arg; replaces glycine 186 with arginine.
Molecular consequence: missense variant. On other transcripts: non-coding transcript variant (2).
Genome position (GRCh38, 1-based): chr11:32,434,805, C>G on the plus strand (G>C on the coding strand, the complement: WT1 is on the minus strand). VCF-style: chr11-32434805-C-G. GRCh37 (hg19) VCF-style: chr11-32456351-C-G.
Other names: c.556G>C, p.Gly186Arg (NM_001407050.1, NM_024424.5, NM_000378.6 and 6 more transcripts); c.337G>C, p.Gly113Arg (NM_001429031.1, NM_001429032.1, NM_001429033.1 and 1 more transcripts); short protein forms G113R, G181R, G186R.
Identifiers: ClinVar variation 4866780 (VCV004866780.1).
Genomic context (GRCh38, chr11:32,434,805, plus strand): 5'-AGGGCGCGTTAGGAAACATCCTGGCCTGGCCGGATGACGCCTGGCTGGGCGGAGGAGGAC[C>G]GAAGGGCCCGTAGCGACAGGCTCCGGCTGTGCCAGTGAACTGGCCGGAAAAGTGGACAGT-3'
Protein context (NP_077744.4, residues 176-196): TAGACRYGPF[Gly186Arg]PPPPSQASSG